The following is an entry in ClinVar:

NM_000535.7(PMS2):c.397_406del (p.Thr133fs)

Gene: PMS2 (PMS1 homolog 2, mismatch repair system component; minus strand). Cytogenetic location: 7p22.1.
Variant type: Deletion.
Coding change: c.397_406del on transcript NM_000535.7 (MANE Select); coding-DNA positions 397 to 406, 10 bases deleted (ACTCGACTGA; older notation c.397_406delACTCGACTGA).
Protein change: p.Thr133fs; shifts the reading frame from threonine 133.
Molecular consequence: frameshift variant. On other transcripts: initiator codon variant (27), 5 prime UTR variant (2), non-coding transcript variant (1), intron variant (1).
Genome position (GRCh38, 1-based): chr7:6,002,584-6,002,593, TCAGTCGAGT deleted on the plus strand (ACTCGACTGA on the coding strand, the reverse complement: PMS2 is on the minus strand); deleting any 10 consecutive bases within chr7:6,002,584-6,002,595 gives the same sequence; the c. name uses the placement nearest the transcript's 3' end. VCF-style (leftmost placement, unchanged base first): chr7-6002583-ATCAGTCGAGT-A. GRCh37 (hg19) VCF-style: chr7-6042214-ATCAGTCGAGT-A.
Other names: c.-11_-2delGAACTCGACT (NM_001018040.1); c.-9_1del, p.Met1fs (NM_001322003.2, NM_001322004.2, NM_001322005.2 and 24 more transcripts); c.397_406del, p.Thr133fs (NM_001322006.2, NM_001322014.2, NM_001406869.1 and 8 more transcripts); c.79_88del, p.Thr27fs (NM_001322007.2, NM_001322008.2, NM_001406876.1 and 4 more transcripts); c.-488_-479del (NM_001322011.2, NM_001322012.2); c.88_97del, p.Thr30fs (NM_001322015.2, NM_001406875.1, NM_001406877.1 and 6 more transcripts); c.583_592del, p.Thr195fs (NM_001406866.1); c.421_430del, p.Thr141fs (NM_001406868.1); and 1 more; short protein forms M1fs, T133fs, T141fs, T195fs, T27fs, T30fs.
Identifiers: ClinVar variation 2674228 (VCV002674228.1), dbSNP rs2536450599, ClinGen allele CA2695198432.

ClinVar aggregate classification (germline): Pathogenic (1 of 4 stars; one submission).

Conditions:
Lynch syndrome 4 (LYNCH4). Also called: Hereditary non-polyposis colorectal cancer, type 4; Colorectal cancer, hereditary nonpolyposis, type 4. Identifiers: Orphanet 144, MedGen C1838333, MONDO:0013699, OMIM 614337. Disease mechanism: loss of function.

Submission:

Myriad Genetics, Inc.
Classification: Pathogenic for Lynch syndrome 4. Last evaluated: 2023-09-18. Review status: criteria provided, single submitter. Criteria: Myriad Autosomal Dominant, Autosomal Recessive and X-Linked Classification Criteria (2023). Collection method: clinical testing. Allele origin: unknown.
Comment: This variant is considered pathogenic. This variant creates a frameshift predicted to result in premature protein truncation.